The following is an entry in ClinVar:

ClinVar aggregate classification (germline): Uncertain significance (1 of 4 stars; one submission).

Conditions:
Dilated cardiomyopathy 1J (CMD1J). Also called: CARDIOMYOPATHY, DILATED, WITH SENSORINEURAL HEARING LOSS, AUTOSOMAL DOMINANT. Identifiers: Orphanet 217622, MedGen C1854368, MONDO:0011541, OMIM 605362.

Allele frequency attached by ClinVar (database versions not stated): gnomAD exomes below 0.00001; ExAC 0.00001.
gnomAD v4.1: 1 of 1,611,846 alleles (0.000062%); highest among the groups gnomAD compares: Non-Finnish European, 0.000085%; no homozygotes.

Submission:

Labcorp Genetics (formerly Invitae), Labcorp
Classification: Uncertain significance for Dilated cardiomyopathy 1J. Last evaluated: 2022-03-23. Review status: criteria provided, single submitter. Criteria: Invitae Variant Classification Sherloc (09022015). Collection method: clinical testing. Allele origin: germline.
Comment: In summary, the available evidence is currently insufficient to determine the role of this variant in disease. Therefore, it has been classified as a Variant of Uncertain Significance. Algorithms developed to predict the effect of missense changes on protein structure and function (SIFT, PolyPhen-2, Align-GVGD) all suggest that this variant is likely to be tolerated. ClinVar contains an entry for this variant (Variation ID: 1011574). This variant has not been reported in the literature in individuals affected with EYA4-related conditions. This variant is present in population databases (rs749021618, gnomAD 0.0009%). This sequence change replaces tyrosine, which is neutral and polar, with cysteine, which is neutral and slightly polar, at codon 143 of the EYA4 protein (p.Tyr143Cys).

NM_004100.5(EYA4):c.428A>G (p.Tyr143Cys)

Gene: EYA4 (EYA transcriptional coactivator and phosphatase 4; plus strand). Cytogenetic location: 6q23.2.
Variant type: single nucleotide variant.
Coding change: c.428A>G on transcript NM_004100.5 (MANE Select); coding-DNA position 428, A replaced by G.
Protein change: p.Tyr143Cys; replaces tyrosine 143 with cysteine.
Molecular consequence: missense variant.
Genome position (GRCh38, 1-based): chr6:133,461,171, A>G. VCF-style: chr6-133461171-A-G. GRCh37 (hg19) VCF-style: chr6-133782309-A-G.
Other names: c.266A>G, p.Tyr89Cys (NM_001301012.2, NM_001370459.1); c.428A>G, p.Tyr143Cys (NM_001301013.2, NM_172105.4); c.359A>G, p.Tyr120Cys (NM_001370458.1, NM_172103.4); short protein forms Y120C, Y143C, Y89C.
Identifiers: ClinVar variation 1011574 (VCV001011574.8), dbSNP rs749021618, ClinGen allele CA4008058.